The following is an entry in ClinVar:

NM_001252024.2(TRPM1):c.1855G>A (p.Asp619Asn)

Gene: TRPM1 (transient receptor potential cation channel subfamily M member 1; minus strand). Cytogenetic location: 15q13.3.
Variant type: single nucleotide variant.
Coding change: c.1855G>A on transcript NM_001252024.2 (MANE Select); coding-DNA position 1855, G replaced by A.
Protein change: p.Asp619Asn; replaces aspartic acid 619 with asparagine.
Molecular consequence: missense variant.
Genome position (GRCh38, 1-based): chr15:31,042,183, C>T on the plus strand (G>A on the coding strand, the complement: TRPM1 is on the minus strand). VCF-style: chr15-31042183-C-T. GRCh37 (hg19) VCF-style: chr15-31334386-C-T.
Other names: c.1906G>A, p.Asp636Asn (NM_001252020.2); c.1789G>A, p.Asp597Asn (NM_002420.6); short protein forms D619N, D636N, D597N.
Identifiers: ClinVar variation 1913454 (VCV001913454.6), dbSNP rs368790606, ClinGen allele CA7452382.
Genomic context (GRCh38, chr15:31,042,183, plus strand): 5'-CCATCAGCTCGTGGAAGGGATACTGGAACCGACTCACGGCAGGGTCGTCCACATCAATGT[C>T]GATCTCTTCCTCCTTTTTCTTCTTTTTCTTTTTCTTCCCTTTAGCTGGAGGCTCATCATC-3'
Protein context (NP_001238953.1, residues 609-629): KKKKKKEEEI[Asp619Asn]IDVDDPAVSR

ClinVar aggregate classification (germline): Uncertain significance. Review status: criteria provided, multiple submitters, no conflicts (2 of 4 stars). 2 submissions from 2 submitters: Uncertain significance (2). Last evaluated 2025-06-16.

Allele frequency attached by ClinVar (database versions not stated): gnomAD exomes 0.00001; TOPMed 0.00001; ExAC 0.00002; ESP Exome Variant Server 0.00008.
gnomAD v4.1: 12 of 1,613,772 alleles (0.00074%); highest among the groups gnomAD compares: African/African-American, 0.004%; no homozygotes.

Submissions (2):

Labcorp Genetics (formerly Invitae), Labcorp
Classification: Uncertain significance. Last evaluated: 2025-06-16. Review status: criteria provided, single submitter. Criteria: Invitae Variant Classification Sherloc (09022015). Collection method: clinical testing. Allele origin: germline.
Comment: This sequence change replaces aspartic acid, which is acidic and polar, with asparagine, which is neutral and polar, at codon 597 of the TRPM1 protein (p.Asp597Asn). This variant is present in population databases (rs368790606, gnomAD 0.007%). This variant has not been reported in the literature in individuals affected with TRPM1-related conditions. ClinVar contains an entry for this variant (Variation ID: 1913454). Invitae Evidence Modeling of protein sequence and biophysical properties (such as structural, functional, and spatial information, amino acid conservation, physicochemical variation, residue mobility, and thermodynamic stability) indicates that this missense variant is not expected to disrupt TRPM1 protein function with a negative predictive value of 95%. In summary, the available evidence is currently insufficient to determine the role of this variant in disease. Therefore, it has been classified as a Variant of Uncertain Significance.

Breakthrough Genomics
Classification: Uncertain significance. Review status: criteria provided, single submitter. Criteria: ACMG Guidelines, 2015. Collection method: not provided. Allele origin: germline. Inheritance: Unknown mechanism. Affected: yes.